The following is an entry in ClinVar:

ClinVar aggregate classification (germline): Uncertain significance (1 of 4 stars; one submission).

Conditions:
Familial thoracic aortic aneurysm and aortic dissection (TAAD). Also called: Thoracic aortic aneurysms and dissections. Identifiers: Orphanet 91387, MedGen C4707243, MONDO:0019625.

Submission:

Ambry Genetics
Classification: Uncertain significance for Familial thoracic aortic aneurysm and aortic dissection. Last evaluated: 2025-02-27. Review status: criteria provided, single submitter. Criteria: Ambry Variant Classification Scheme 2023. Collection method: clinical testing. Allele origin: germline.
Comment: The p.P2387S variant (also known as c.7159C>T), located in coding exon 34 of the NOTCH1 gene, results from a C to T substitution at nucleotide position 7159. The proline at codon 2387 is replaced by serine, an amino acid with similar properties. This amino acid position is conserved. In addition, this alteration is predicted to be tolerated by in silico analysis. Based on the available evidence, the clinical significance of this variant remains unclear.

NM_017617.5(NOTCH1):c.7159C>T (p.Pro2387Ser)

Gene: NOTCH1 (notch receptor 1; minus strand). Cytogenetic location: 9q34.3.
Variant type: single nucleotide variant.
Coding change: c.7159C>T on transcript NM_017617.5 (MANE Select); coding-DNA position 7159, C replaced by T.
Protein change: p.Pro2387Ser; replaces proline 2387 with serine.
Molecular consequence: missense variant.
Genome position (GRCh38, 1-based): chr9:136,496,580, G>A on the plus strand (C>T on the coding strand, the complement: NOTCH1 is on the minus strand). VCF-style: chr9-136496580-G-A. GRCh37 (hg19) VCF-style: chr9-139391032-G-A.
Other names: short protein forms P2387S.
Identifiers: ClinVar variation 3880496 (VCV003880496.1).
Genomic context (GRCh38, chr9:136,496,580, plus strand): 5'-TTTGCTGCTGCTGGATGTTTGCTGGCTGCAGGTTCTGCTGCTGCATCTGTAAGTTTTGTG[G>A]CTGCACCTGCTGGGTCTGCACCAGGTGAGGCTGGGTGGCCAGCCGGGTGCTGGGCAGGCC-3'
Protein context (NP_060087.3, residues 2377-2397): PHLVQTQQVQ[Pro2387Ser]QNLQMQQQNL